The following is an entry in ClinVar:

ClinVar aggregate classification (germline): Uncertain significance (1 of 4 stars; one submission).

Conditions:
Familial cancer of breast. Also called: Hereditary breast cancer; hereditary breast carcinoma; BREAST CANCER, FAMILIAL. Identifiers: Orphanet 227535, MedGen C0346153, MONDO:0016419, OMIM 114480. Disease mechanism: loss of function.

Submission:

Labcorp Genetics (formerly Invitae), Labcorp
Classification: Uncertain significance for Familial cancer of breast. Last evaluated: 2024-07-06. Review status: criteria provided, single submitter. Criteria: Invitae Variant Classification Sherloc (09022015). Collection method: clinical testing. Allele origin: germline.
Comment: This sequence change replaces leucine, which is neutral and non-polar, with proline, which is neutral and non-polar, at codon 831 of the PALB2 protein (p.Leu831Pro). This variant is not present in population databases (gnomAD no frequency). This variant has not been reported in the literature in individuals affected with PALB2-related conditions. Advanced modeling of protein sequence and biophysical properties (such as structural, functional, and spatial information, amino acid conservation, physicochemical variation, residue mobility, and thermodynamic stability) performed at Invitae indicates that this missense variant is not expected to disrupt PALB2 protein function with a negative predictive value of 80%. In summary, the available evidence is currently insufficient to determine the role of this variant in disease. Therefore, it has been classified as a Variant of Uncertain Significance.

NM_024675.4(PALB2):c.2492T>C (p.Leu831Pro)

Gene: PALB2 (partner and localizer of BRCA2; minus strand). Cytogenetic location: 16p12.2.
Variant type: single nucleotide variant.
Coding change: c.2492T>C on transcript NM_024675.4 (MANE Select); coding-DNA position 2492, T replaced by C.
Protein change: p.Leu831Pro; replaces leucine 831 with proline.
Molecular consequence: missense variant. On other transcripts: intron variant (1).
Genome position (GRCh38, 1-based): chr16:23,629,662, A>G on the plus strand (T>C on the coding strand, the complement: PALB2 is on the minus strand). VCF-style: chr16-23629662-A-G. GRCh37 (hg19) VCF-style: chr16-23640983-A-G.
Other names: c.2432T>C, p.Leu811Pro (NM_001407296.1); c.2492T>C, p.Leu831Pro (NM_001407297.1, NM_001407298.1, NM_001407299.1 and 3 more transcripts); c.1607T>C, p.Leu536Pro (NM_001407304.1, NM_001407305.1, NM_001407306.1 and 5 more transcripts); c.704T>C, p.Leu235Pro (NM_001407312.1, NM_001407313.1); c.49-387T>C (NM_001407314.1); short protein forms L235P, L536P, L811P, L831P.
Identifiers: ClinVar variation 3658837 (VCV003658837.2).